The following is an entry in ClinVar:

NM_001039213.4(CEACAM16):c.1097C>T (p.Pro366Leu)

Genes: CEACAM16 (CEA cell adhesion molecule 16, tectorial membrane component; plus strand), CEACAM16-AS1 (CEACAM16, CEACAM19 and PVR antisense RNA 1; minus strand). Cytogenetic location: 19q13.32.
Variant type: single nucleotide variant.
Coding change: c.1097C>T on transcript NM_001039213.4 (MANE Select); coding-DNA position 1097, C replaced by T.
Protein change: p.Pro366Leu; replaces proline 366 with leucine.
Molecular consequence: missense variant.
Genome position (GRCh38, 1-based): chr19:44,708,017, C>T. VCF-style: chr19-44708017-C-T. GRCh37 (hg19) VCF-style: chr19-45211289-C-T.
Other names: short protein forms P366L.
Identifiers: ClinVar variation 1484989 (VCV001484989.8), dbSNP rs762367899, ClinGen allele CA9503229.

ClinVar aggregate classification (germline): Conflicting classifications of pathogenicity. Review status: criteria provided, conflicting classifications (1 of 4 stars). 2 submissions from 2 submitters: Likely pathogenic (1); Uncertain significance (1). Last evaluated 2025-12-26.

Conditions:
Autosomal dominant nonsyndromic hearing loss 4B. Identifiers: Orphanet 90635, MedGen C3281297, MONDO:0013823, OMIM 614614.

Allele frequency attached by ClinVar (database versions not stated): ExAC 0.00001; gnomAD 0.00001; TOPMed 0.00003.
gnomAD v4.1: 8 of 1,611,232 alleles (0.0005%); highest among the groups gnomAD compares: Admixed American, 0.005%; no homozygotes.

Submissions (2):

Labcorp Genetics (formerly Invitae), Labcorp
Classification: Uncertain significance. Last evaluated: 2025-12-26. Review status: criteria provided, single submitter. Criteria: Invitae Variant Classification Sherloc (09022015). Collection method: clinical testing. Allele origin: germline.
Comment: This sequence change replaces proline, which is neutral and non-polar, with leucine, which is neutral and non-polar, at codon 366 of the CEACAM16 protein (p.Pro366Leu). The frequency data for this variant in the population databases is considered unreliable, as metrics indicate poor data quality at this position in the gnomAD database. This missense change has been observed in individual(s) with deafness (PMID: 36633841). ClinVar contains an entry for this variant (Variation ID: 1484989). An algorithm developed to predict the effect of missense changes on protein structure and function (PolyPhen-2) suggests that this variant is likely to be disruptive. In summary, the available evidence is currently insufficient to determine the role of this variant in disease. Therefore, it has been classified as a Variant of Uncertain Significance.

King Laboratory, University of Washington
Classification: Likely pathogenic for Autosomal dominant nonsyndromic hearing loss 4B. Last evaluated: 2023-02-28. Review status: criteria provided, single submitter. Criteria: Li et al. (Genet Med. 2022). Collection method: research. Allele origin: maternal. Affected: yes.
Comment: This variant was found in heterozygosity in a patient and their mother, both with bilateral sensorineural hearing loss of onset <18 years, in a study of pediatric hearing loss conducted by the King Laboratory (Carlson RJ et al. JAMA-OtoHNS 2023). This variant is a missense at a completely conserved site protein and is predicted to be damaging by multiple in-silico tools. As of January 2023, this variant has been reported to ClinVar as a variant of unknown significance and is found in 2 heterozygotes on gnomAD. Based on consistently predicted functional effect, co-segregation with the phenotype in the family, and goodness of fit of genotype to phenotype, we conclude that this variant is likely pathogenic.

Literature cited by the submitters: PubMed 36633841 (cited by Labcorp Genetics (formerly Invitae), Labcorp and King Laboratory, University of Washington).